The following is an entry in ClinVar:

NM_198578.4(LRRK2):c.4393T>A (p.Cys1465Ser)

Gene: LRRK2 (leucine rich repeat kinase 2; plus strand). Cytogenetic location: 12q12.
Variant type: single nucleotide variant.
Coding change: c.4393T>A on transcript NM_198578.4 (MANE Select); coding-DNA position 4393, T replaced by A.
Protein change: p.Cys1465Ser; replaces cysteine 1465 with serine.
Molecular consequence: missense variant.
Genome position (GRCh38, 1-based): chr12:40,310,506, T>A. VCF-style: chr12-40310506-T-A. GRCh37 (hg19) VCF-style: chr12-40704308-T-A.
Other names: short protein forms C1465S.
Identifiers: ClinVar variation 1740246 (VCV001740246.2), dbSNP rs2499827315, ClinGen allele CA384418403.

ClinVar aggregate classification (germline): Uncertain significance (1 of 4 stars; one submission).

Conditions:
Inborn genetic diseases. Identifiers: MedGen C0950123, MeSH D030342.

Submission:

Ambry Genetics
Classification: Uncertain significance for Inborn genetic diseases. Last evaluated: 2022-06-28. Review status: criteria provided, single submitter. Criteria: Ambry Variant Classification Scheme 2023. Collection method: clinical testing. Allele origin: germline.
Comment: The p.C1465S variant (also known as c.4393T>A), located in coding exon 31 of the LRRK2 gene, results from a T to A substitution at nucleotide position 4393. The cysteine at codon 1465 is replaced by serine, an amino acid with dissimilar properties. This amino acid position is conserved. In addition, the in silico prediction for this alteration is inconclusive. Since supporting evidence is limited at this time, the clinical significance of this alteration remains unclear.